The following is an entry in ClinVar:

ClinVar aggregate classification (germline): Uncertain significance. Review status: criteria provided, multiple submitters, no conflicts (2 of 4 stars). 2 submissions from 2 submitters: Uncertain significance (2). Last evaluated 2023-11-01.

Allele frequency attached by ClinVar (database versions not stated): gnomAD exomes 0.00002 and 0.00004; gnomAD 0.00007 and 0.00009; ExAC 0.00011; TOPMed 0.00014; ESP Exome Variant Server 0.00015; 1000 Genomes Project 0.00020; 1000 Genomes Project 30x 0.00031.
gnomAD v4.1: 34 of 1,604,220 alleles (0.0021%); highest among the groups gnomAD compares: African/African-American, 0.035%; no homozygotes.

Submissions (2):

Labcorp Genetics (formerly Invitae), Labcorp
Classification: Uncertain significance. Last evaluated: 2023-11-01. Review status: criteria provided, single submitter. Criteria: Invitae Variant Classification Sherloc (09022015). Collection method: clinical testing. Allele origin: germline.
Comment: This sequence change replaces tyrosine, which is neutral and polar, with cysteine, which is neutral and slightly polar, at codon 843 of the MYH14 protein (p.Tyr843Cys). This variant is present in population databases (rs373457292, gnomAD 0.04%), and has an allele count higher than expected for a pathogenic variant. This variant has not been reported in the literature in individuals affected with MYH14-related conditions. ClinVar contains an entry for this variant (Variation ID: 811897). Advanced modeling of protein sequence and biophysical properties (such as structural, functional, and spatial information, amino acid conservation, physicochemical variation, residue mobility, and thermodynamic stability) performed at Invitae indicates that this missense variant is expected to disrupt MYH14 protein function with a positive predictive value of 80%. In summary, the available evidence is currently insufficient to determine the role of this variant in disease. Therefore, it has been classified as a Variant of Uncertain Significance.

ARUP Laboratories, Molecular Genetics and Genomics, ARUP Laboratories
Classification: Uncertain significance. Last evaluated: 2019-02-20. Review status: criteria provided, single submitter. Criteria: ARUP Molecular Germline Variant Investigation Process. Collection method: clinical testing. Allele origin: germline.
Comment: The MYH14 c.2528A>G; p.Tyr843Cys variant (rs373457292), to our knowledge, is not reported in the medical literature or gene-specific databases. This variant is found in the African population with an overall allele frequency of 0.04% (10/22910 alleles) in the Genome Aggregation Database. The tyrosine at codon 843 is highly conserved and computational analyses (SIFT, PolyPhen-2) predict that this variant is deleterious. However, given the lack of clinical and functional data, the significance of the p.Tyr843Cys variant is uncertain at this time.

NM_001145809.2(MYH14):c.2651A>G (p.Tyr884Cys)

Gene: MYH14 (myosin heavy chain 14; plus strand). Cytogenetic location: 19q13.33.
Variant type: single nucleotide variant.
Coding change: c.2651A>G on transcript NM_001145809.2 (MANE Select); coding-DNA position 2651, A replaced by G.
Protein change: p.Tyr884Cys; replaces tyrosine 884 with cysteine.
Molecular consequence: missense variant.
Genome position (GRCh38, 1-based): chr19:50,263,377, A>G. VCF-style: chr19-50263377-A-G. GRCh37 (hg19) VCF-style: chr19-50766634-A-G.
Other names: c.2552A>G, p.Tyr851Cys (NM_001077186.2); c.2528A>G, p.Tyr843Cys (NM_024729.4); short protein forms Y843C, Y851C, Y884C.
Identifiers: ClinVar variation 811897 (VCV000811897.15), dbSNP rs373457292, ClinGen allele CA9593023.